The following is an entry in ClinVar:

NM_015295.3(SMCHD1):c.2874C>A (p.Asp958Glu)

Gene: SMCHD1 (structural maintenance of chromosomes flexible hinge domain containing 1; plus strand). Cytogenetic location: 18p11.32.
Variant type: single nucleotide variant.
Coding change: c.2874C>A on transcript NM_015295.3 (MANE Select); coding-DNA position 2874, C replaced by A.
Protein change: p.Asp958Glu; replaces aspartic acid 958 with glutamic acid.
Molecular consequence: missense variant.
Genome position (GRCh38, 1-based): chr18:2,728,557, C>A. VCF-style: chr18-2728557-C-A. GRCh37 (hg19) VCF-style: chr18-2728555-C-A.
Other names: short protein forms D958E.
Identifiers: ClinVar variation 2890408 (VCV002890408.3), dbSNP rs2510083202, ClinGen allele CA401683440.
Genomic context (GRCh38, chr18:2,728,557, plus strand): 5'-TTTAGTTATAGAAAATGGAACAGCTTTCCCATTTCAGGTGGAAGTTTTAGATGAATCAGA[C>A]AACATAACAGCACAACCAAAATTGATTGTTCATTGTAAGGTAAGCTTATTGGAAGATATT-3'
Protein context (NP_056110.2, residues 948-968): PFQVEVLDES[Asp958Glu]NITAQPKLIV

ClinVar aggregate classification (germline): Uncertain significance (1 of 4 stars; one submission).

Conditions:
Facioscapulohumeral muscular dystrophy 2 (FSHD2). Also called: MUSCULAR DYSTROPHY, FACIOSCAPULOHUMERAL, TYPE 1B; FACIOSCAPULOHUMERAL MUSCULAR DYSTROPHY 2, DIGENIC; FSHD2, DIGENIC. Identifiers: Orphanet 269, MedGen C1834671, MONDO:0008031, OMIM 158901.

Allele frequency attached by ClinVar (database versions not stated): gnomAD exomes below 0.00001.
gnomAD v4.1: 2 of 1,613,010 alleles (0.00012%); highest among the groups gnomAD compares: African/African-American, 0.0013%; no homozygotes.

Submission:

Labcorp Genetics (formerly Invitae), Labcorp
Classification: Uncertain significance for Facioscapulohumeral muscular dystrophy 2. Last evaluated: 2023-08-08. Review status: criteria provided, single submitter. Criteria: Invitae Variant Classification Sherloc (09022015). Collection method: clinical testing. Allele origin: germline.
Comment: In summary, the available evidence is currently insufficient to determine the role of this variant in disease. Therefore, it has been classified as a Variant of Uncertain Significance. This sequence change replaces aspartic acid, which is acidic and polar, with glutamic acid, which is acidic and polar, at codon 958 of the SMCHD1 protein (p.Asp958Glu). This variant is not present in population databases (gnomAD no frequency). This variant has not been reported in the literature in individuals affected with SMCHD1-related conditions. Advanced modeling of protein sequence and biophysical properties (such as structural, functional, and spatial information, amino acid conservation, physicochemical variation, residue mobility, and thermodynamic stability) performed at Invitae indicates that this missense variant is not expected to disrupt SMCHD1 protein function.